The following is an entry in ClinVar:

ClinVar aggregate classification (germline): Uncertain significance (1 of 4 stars; one submission).

Submission:

Labcorp Genetics (formerly Invitae), Labcorp
Classification: Uncertain significance. Last evaluated: 2024-08-21. Review status: criteria provided, single submitter. Criteria: Invitae Variant Classification Sherloc (09022015). Collection method: clinical testing. Allele origin: germline.
Comment: This sequence change replaces aspartic acid, which is acidic and polar, with histidine, which is basic and polar, at codon 489 of the KMT2A protein (p.Asp489His). This variant is not present in population databases (gnomAD no frequency). This variant has not been reported in the literature in individuals affected with KMT2A-related conditions. Invitae Evidence Modeling of protein sequence and biophysical properties (such as structural, functional, and spatial information, amino acid conservation, physicochemical variation, residue mobility, and thermodynamic stability) has been performed for this missense variant. However, the output from this modeling did not meet the statistical confidence thresholds required to predict the impact of this variant on KMT2A protein function. In summary, the available evidence is currently insufficient to determine the role of this variant in disease. Therefore, it has been classified as a Variant of Uncertain Significance.

NM_001197104.2(KMT2A):c.1465G>C (p.Asp489His)

Gene: KMT2A (lysine methyltransferase 2A; plus strand). Cytogenetic location: 11q23.3.
Variant type: single nucleotide variant.
Coding change: c.1465G>C on transcript NM_001197104.2 (MANE Select); coding-DNA position 1465, G replaced by C.
Protein change: p.Asp489His; replaces aspartic acid 489 with histidine.
Molecular consequence: missense variant.
Genome position (GRCh38, 1-based): chr11:118,472,624, G>C. VCF-style: chr11-118472624-G-C. GRCh37 (hg19) VCF-style: chr11-118343339-G-C.
Other names: c.1564G>C, p.Asp522His (NM_001412597.1); c.1465G>C, p.Asp489His (NM_005933.4); short protein forms D489H, D522H.
Identifiers: ClinVar variation 3634302 (VCV003634302.2).